The following is an entry in ClinVar:

ClinVar aggregate classification (germline): Benign. Review status: criteria provided, multiple submitters, no conflicts (2 of 4 stars). 3 submissions from 3 submitters: Benign (3). Last evaluated 2026-02-03.

Conditions:
Primary dilated cardiomyopathy (DCM). Also called: Dilated Cardiomyopathy. Identifiers: Orphanet 217604, MedGen C0007193, MeSH D002311, MONDO:0005021, HP:0001644. Inheritance: Various modes of inheritance.

Allele frequency attached by ClinVar (database versions not stated): ESP Exome Variant Server 0.03254; gnomAD 0.03292 and 0.03446; gnomAD exomes 0.03485; ExAC 0.03486; TOPMed 0.03611; 1000 Genomes Project 0.04812; 1000 Genomes Project 30x 0.04997.
gnomAD v4.1: 43,753 of 1,610,196 alleles (2.7%); highest among the groups gnomAD compares: South Asian, 8%; 928 homozygotes.

Submissions (3):

Labcorp Genetics (formerly Invitae), Labcorp
Classification: Benign for Primary dilated cardiomyopathy. Last evaluated: 2026-02-03. Review status: criteria provided, single submitter. Criteria: Invitae Variant Classification Sherloc (09022015). Collection method: clinical testing. Allele origin: germline.

GeneDx
Classification: Benign. Last evaluated: 2016-10-17. Review status: criteria provided, single submitter. Criteria: GeneDx Variant Classification (06012015). Collection method: clinical testing. Allele origin: germline. Affected: yes.
Comment: This variant is considered likely benign or benign based on one or more of the following criteria: it is a conservative change, it occurs at a poorly conserved position in the protein, it is predicted to be benign by multiple in silico algorithms, and/or has population frequency not consistent with disease.

Breakthrough Genomics
Classification: Benign. Review status: criteria provided, single submitter. Criteria: ACMG Guidelines, 2015. Collection method: not provided. Allele origin: germline. Inheritance: Autosomal recessive inheritance. Affected: yes.

NM_006440.5(TXNRD2):c.662+13C>T

Gene: TXNRD2 (thioredoxin reductase 2; minus strand). Cytogenetic location: 22q11.21.
Variant type: single nucleotide variant.
Coding change: c.662+13C>T on transcript NM_006440.5 (MANE Select); 13 bases into the intron after coding-DNA position 662, C replaced by T.
Molecular consequence: intron variant.
Genome position (GRCh38, 1-based): chr22:19,911,364, G>A on the plus strand (C>T on the coding strand, the complement: TXNRD2 is on the minus strand). VCF-style: chr22-19911364-G-A. GRCh37 (hg19) VCF-style: chr22-19898887-G-A.
Other names: c.659+13C>T (NM_001352300.2); c.374+13C>T (NM_001352302.2); c.572+13C>T (NM_001352301.2); c.662+13C>T (NM_001282512.3); c.566+13C>T (NM_001352303.2).
Identifiers: ClinVar variation 384717 (VCV000384717.10), dbSNP rs45550336, ClinGen allele CA10104072.
Genomic context (GRCh38, chr22:19,911,364, plus strand): 5'-CACAGGCTCTAAGGGTCCAGTGCTCACTCTGGTGAACAAAAAGAGGACCCCACCAAGCAC[G>A]CGCAGGCCTTACGTTTTTCCAGGGGATTCCTTCAGCCAGAAGATGTCATCACTTGTGATT-3'